The following is an entry in ClinVar:

ClinVar aggregate classification (germline): Uncertain significance (1 of 4 stars; one submission).

Allele frequency attached by ClinVar (database versions not stated): gnomAD exomes below 0.00001.
gnomAD v4.1: 1 of 1,614,172 alleles (0.000062%); highest among the groups gnomAD compares: Non-Finnish European, 0.000085%; no homozygotes.

Submission:

Labcorp Genetics (formerly Invitae), Labcorp
Classification: Uncertain significance. Last evaluated: 2024-08-22. Review status: criteria provided, single submitter. Criteria: Invitae Variant Classification Sherloc (09022015). Collection method: clinical testing. Allele origin: germline.
Comment: This sequence change replaces glutamic acid, which is acidic and polar, with lysine, which is basic and polar, at codon 1732 of the MYH3 protein (p.Glu1732Lys). This variant is not present in population databases (gnomAD no frequency). This variant has not been reported in the literature in individuals affected with MYH3-related conditions. ClinVar contains an entry for this variant (Variation ID: 1501006). Invitae Evidence Modeling of protein sequence and biophysical properties (such as structural, functional, and spatial information, amino acid conservation, physicochemical variation, residue mobility, and thermodynamic stability) indicates that this missense variant is not expected to disrupt MYH3 protein function with a negative predictive value of 95%. In summary, the available evidence is currently insufficient to determine the role of this variant in disease. Therefore, it has been classified as a Variant of Uncertain Significance.

NM_002470.4(MYH3):c.5194G>A (p.Glu1732Lys)

Gene: MYH3 (myosin heavy chain 3; minus strand). Cytogenetic location: 17p13.1.
Variant type: single nucleotide variant.
Coding change: c.5194G>A on transcript NM_002470.4 (MANE Select); coding-DNA position 5194, G replaced by A.
Protein change: p.Glu1732Lys; replaces glutamic acid 1732 with lysine.
Molecular consequence: missense variant.
Genome position (GRCh38, 1-based): chr17:10,631,703, C>T on the plus strand (G>A on the coding strand, the complement: MYH3 is on the minus strand). VCF-style: chr17-10631703-C-T. GRCh37 (hg19) VCF-style: chr17-10535020-C-T.
Other names: short protein forms E1732K.
Identifiers: ClinVar variation 1501006 (VCV001501006.6), dbSNP rs2142381540, ClinGen allele CA398134509.